The following is an entry in ClinVar:

NM_198525.3(KIF7):c.1212_1222del (p.Leu405fs)

Gene: KIF7 (kinesin family member 7; minus strand). Cytogenetic location: 15q26.1.
Variant type: Deletion.
Coding change: c.1212_1222del on transcript NM_198525.3 (MANE Select); coding-DNA positions 1212 to 1222, 11 bases deleted (CCTGGGCGCCG).
Protein change: p.Leu405fs; shifts the reading frame from leucine 405.
Molecular consequence: frameshift variant.
Genome position (GRCh38, 1-based): chr15:89,648,476-89,648,486, CGGCGCCCAGG deleted on the plus strand (CCTGGGCGCCG on the coding strand, the reverse complement: KIF7 is on the minus strand); deleting any 11 consecutive bases within chr15:89,648,476-89,648,488 gives the same sequence; the c. name uses the placement nearest the transcript's 3' end. VCF-style (leftmost placement, unchanged base first): chr15-89648475-TCGGCGCCCAGG-T. GRCh37 (hg19) VCF-style: chr15-90191706-TCGGCGCCCAGG-T.
Other names: short protein forms L405fs.
Identifiers: ClinVar variation 1324624 (VCV001324624.7), dbSNP rs1391614221, ClinGen allele CA716937815.

ClinVar aggregate classification (germline): Pathogenic (1 of 4 stars; one submission).

Conditions:
Acrocallosal syndrome (ACLS). Also called: HALLUX DUPLICATION, POSTAXIAL POLYDACTYLY, AND ABSENCE OF CORPUS CALLOSUM; Schinzel syndrome 1; Absence of corpus callosum with unusual facial appearance, mental deficiency, duplication of the halluces and polydactyly. Identifiers: Orphanet 36, MedGen C0796147, MONDO:0008708, OMIM 200990.

Submission:

Labcorp Genetics (formerly Invitae), Labcorp
Classification: Pathogenic for Acrocallosal syndrome. Last evaluated: 2023-10-23. Review status: criteria provided, single submitter. Criteria: Invitae Variant Classification Sherloc (09022015). Collection method: clinical testing. Allele origin: germline.
Comment: This sequence change creates a premature translational stop signal (p.Leu405Valfs*54) in the KIF7 gene. It is expected to result in an absent or disrupted protein product. Loss-of-function variants in KIF7 are known to be pathogenic (PMID: 19666503, 21552264, 21633164, 26648833). The frequency data for this variant in the population databases is considered unreliable, as metrics indicate insufficient coverage at this position in the gnomAD database. This variant has not been reported in the literature in individuals affected with KIF7-related conditions. ClinVar contains an entry for this variant (Variation ID: 1324624). For these reasons, this variant has been classified as Pathogenic.

Literature cited by the submitters: PubMed 19666503; PubMed 21552264; PubMed 21633164; PubMed 26648833.